The following is an entry in ClinVar:

ClinVar aggregate classification (germline): Likely pathogenic (1 of 4 stars; one submission).

Submission:

Harry Perkins Institute Of Medical Research, University Of Western Australia
Classification: Likely pathogenic. Review status: criteria provided, single submitter. Criteria: ACMG Guidelines, 2015. Collection method: research. Allele origin: germline. Inheritance: Autosomal recessive inheritance. Affected: yes. Observed: 1 compound heterozygote.
Comment: PVS1, PM2. Identified in trans with SPRED2 c.776dup

NM_181784.3(SPRED2):c.880dup (p.Arg294fs)

Gene: SPRED2 (sprouty related EVH1 domain containing 2; minus strand). Cytogenetic location: 2p14.
Variant type: Duplication.
Coding change: c.880dup on transcript NM_181784.3 (MANE Select); coding-DNA position 880, one base duplicated (C; older notation c.880dupC).
Protein change: p.Arg294fs; shifts the reading frame from arginine 294.
Molecular consequence: frameshift variant.
Genome position (GRCh38, 1-based): chr2:65,313,878, G duplicated on the plus strand (C on the coding strand, the reverse complement: SPRED2 is on the minus strand); the first of 3 consecutive G bases (chr2:65,313,878-65,313,880); duplicating any one gives the same sequence. VCF-style (leftmost placement, unchanged base first): chr2-65313877-C-CG. GRCh37 (hg19) VCF-style: chr2-65541011-C-CG.
Other names: c.871dup, p.Arg291fs (NM_001128210.2); short protein forms R291fs, R294fs.
Identifiers: ClinVar variation 4857658 (VCV004857658.1).